The following is an entry in ClinVar:

ClinVar aggregate classification (germline): Conflicting classifications of pathogenicity. Review status: criteria provided, conflicting classifications (1 of 4 stars). 3 submissions from 3 submitters: Uncertain significance (2); Likely benign (1). Last evaluated 2025-12-10.

Conditions:
Isolated focal cortical dysplasia type II (FCORD2). Also called: Focal cortical dysplasia type II; CORTICAL DYSPLASIA OF TAYLOR. Identifiers: Orphanet 268994, MedGen C1846385, MONDO:0011818, OMIM 607341, HP:0032051.
Tuberous sclerosis 1 (TSC1). Identifiers: Orphanet 805, MedGen C1854465, MONDO:0008612, OMIM 191100.
Lymphangiomyomatosis (LAM). Also called: Lymphangioleiomyomatosis, somatic; Lymphangioleiomyomatosis. Identifiers: Orphanet 538, MedGen C0751674, MONDO:0011705, OMIM 606690.
Hereditary cancer-predisposing syndrome. Also called: Tumor predisposition; Neoplastic Syndromes, Hereditary; Hereditary Cancer Syndrome; Hereditary neoplastic syndrome. Identifiers: Orphanet 140162, MedGen C0027672, MeSH D009386, MONDO:0015356.

Allele frequency attached by ClinVar (database versions not stated): gnomAD exomes below 0.00001 and 0.00001; ExAC 0.00001.
gnomAD v4.1: 2 of 1,613,972 alleles (0.00012%); highest among the groups gnomAD compares: South Asian, 0.0022%; no homozygotes.

Submissions (3):

Labcorp Genetics (formerly Invitae), Labcorp
Classification: Likely benign for Tuberous sclerosis 1. Last evaluated: 2025-12-10. Review status: criteria provided, single submitter. Criteria: Invitae Variant Classification Sherloc (09022015). Collection method: clinical testing. Allele origin: germline.

Ambry Genetics
Classification: Uncertain significance for Hereditary cancer-predisposing syndrome. Last evaluated: 2025-11-11. Review status: criteria provided, single submitter. Criteria: Ambry Variant Classification Scheme 2023. Collection method: clinical testing. Allele origin: germline.
Comment: The p.P668L variant (also known as c.2003C>T), located in coding exon 14 of the TSC1 gene, results from a C to T substitution at nucleotide position 2003. The proline at codon 668 is replaced by leucine, an amino acid with similar properties. This amino acid position is poorly conserved in available vertebrate species. In addition, this alteration is predicted to be tolerated by in silico analysis. Since supporting evidence is limited at this time, the clinical significance of this alteration remains unclear.

Fulgent Genetics
Classification: Uncertain significance for Tuberous sclerosis 1; Lymphangiomyomatosis; Isolated focal cortical dysplasia type II. Last evaluated: 2024-03-19. Review status: criteria provided, single submitter. Criteria: ACMG Guidelines, 2015. Collection method: clinical testing. Allele origin: germline.

NM_000368.5(TSC1):c.2003C>T (p.Pro668Leu)

Gene: TSC1 (TSC complex subunit 1; minus strand). Cytogenetic location: 9q34.13.
Variant type: single nucleotide variant.
Coding change: c.2003C>T on transcript NM_000368.5 (MANE Select); coding-DNA position 2003, C replaced by T.
Protein change: p.Pro668Leu; replaces proline 668 with leucine.
Molecular consequence: missense variant.
Genome position (GRCh38, 1-based): chr9:132,904,449, G>A on the plus strand (C>T on the coding strand, the complement: TSC1 is on the minus strand). VCF-style: chr9-132904449-G-A. GRCh37 (hg19) VCF-style: chr9-135779836-G-A.
Other names: c.2000C>T, p.Pro667Leu (NM_001162426.2); c.1850C>T, p.Pro617Leu (NM_001162427.2); c.1640C>T, p.Pro547Leu (NM_001362177.2); short protein forms P547L, P617L, P667L, P668L.
Identifiers: ClinVar variation 1061880 (VCV001061880.13), dbSNP rs772603060, ClinGen allele CA030574.